The following is an entry in ClinVar:

ClinVar aggregate classification (germline): Uncertain significance. Review status: criteria provided, multiple submitters, no conflicts (2 of 4 stars). 2 submissions from 2 submitters: Uncertain significance (2). Last evaluated 2026-09-16.

Allele frequency attached by ClinVar (database versions not stated): gnomAD 0.00002.

Submissions (2):

GeneDx
Classification: Uncertain significance. Last evaluated: 2026-09-16. Review status: criteria provided, single submitter. Criteria: GeneDx Variant Classification Process June 2021. Collection method: clinical testing. Allele origin: germline.
Comment: Frameshift variant predicted to result in abnormal protein length as the last 37 amino acids are replaced with five different amino acids; Has not been previously published as pathogenic or benign to our knowledge

Labcorp Genetics (formerly Invitae), Labcorp
Classification: Uncertain significance. Last evaluated: 2022-11-01. Review status: criteria provided, single submitter. Criteria: Invitae Variant Classification Sherloc (09022015). Collection method: clinical testing. Allele origin: germline.
Comment: This sequence change creates a premature translational stop signal (p.Ala1480Valfs*6) in the NEXMIF gene. While this is not anticipated to result in nonsense mediated decay, it is expected to disrupt the last 37 amino acid(s) of the NEXMIF protein. This variant is not present in population databases (gnomAD no frequency). This variant has not been reported in the literature in individuals affected with NEXMIF-related conditions. ClinVar contains an entry for this variant (Variation ID: 1468130). Experimental studies and prediction algorithms are not available or were not evaluated, and the functional significance of this variant is currently unknown. Algorithms developed to predict the effect of sequence changes on RNA splicing suggest that this variant may disrupt the consensus splice site. In summary, the available evidence is currently insufficient to determine the role of this variant in disease. Therefore, it has been classified as a Variant of Uncertain Significance.

NM_001008537.3(NEXMIF):c.4439del (p.Ala1480fs)

Gene: NEXMIF (neurite extension and migration factor; minus strand). Cytogenetic location: Xq13.3.
Variant type: Deletion.
Coding change: c.4439del on transcript NM_001008537.3 (MANE Select); coding-DNA position 4439, one base deleted (C; older notation c.4439delC).
Protein change: p.Ala1480fs; shifts the reading frame from alanine 1480.
Molecular consequence: frameshift variant.
Genome position (GRCh38, 1-based): chrX:74,740,118, G deleted on the plus strand (C on the coding strand, the reverse complement: NEXMIF is on the minus strand). VCF-style (leftmost placement, unchanged base first): chrX-74740117-AG-A. GRCh37 (hg19) VCF-style: chrX-73959952-AG-A.
Other names: c.4439del (NM_001008537.1); short protein forms A1480fs.
Identifiers: ClinVar variation 1468130 (VCV001468130.8), dbSNP rs2080096846, ClinGen allele CA1134279506.